The following is an entry in ClinVar:

ClinVar aggregate classification (germline): Uncertain significance (1 of 4 stars; one submission).

Allele frequency attached by ClinVar (database versions not stated): gnomAD exomes below 0.00001; TOPMed 0.00003.
gnomAD v4.1: 6 of 1,611,736 alleles (0.00037%); highest among the groups gnomAD compares: African/African-American, 0.0067%; no homozygotes.

Submission:

Labcorp Genetics (formerly Invitae), Labcorp
Classification: Uncertain significance. Last evaluated: 2025-06-12. Review status: criteria provided, single submitter. Criteria: Invitae Variant Classification Sherloc (09022015). Collection method: clinical testing. Allele origin: germline.
Comment: This sequence change replaces proline, which is neutral and non-polar, with serine, which is neutral and polar, at codon 1612 of the NUP205 protein (p.Pro1612Ser). This variant is present in population databases (rs190755726, gnomAD 0.01%). This variant has not been reported in the literature in individuals affected with NUP205-related conditions. ClinVar contains an entry for this variant (Variation ID: 2065259). Invitae Evidence Modeling of protein sequence and biophysical properties (such as structural, functional, and spatial information, amino acid conservation, physicochemical variation, residue mobility, and thermodynamic stability) indicates that this missense variant is not expected to disrupt NUP205 protein function with a negative predictive value of 80%. In summary, the available evidence is currently insufficient to determine the role of this variant in disease. Therefore, it has been classified as a Variant of Uncertain Significance.

NM_015135.3(NUP205):c.4834C>T (p.Pro1612Ser)

Gene: NUP205 (nucleoporin 205; plus strand). Cytogenetic location: 7q33.
Variant type: single nucleotide variant.
Coding change: c.4834C>T on transcript NM_015135.3 (MANE Select); coding-DNA position 4834, C replaced by T.
Protein change: p.Pro1612Ser; replaces proline 1612 with serine.
Molecular consequence: missense variant.
Genome position (GRCh38, 1-based): chr7:135,628,013, C>T. VCF-style: chr7-135628013-C-T. GRCh37 (hg19) VCF-style: chr7-135312761-C-T.
Other names: c.3760C>T, p.Pro1254Ser (NM_001329434.2); short protein forms P1254S, P1612S.
Identifiers: ClinVar variation 2065259 (VCV002065259.4), dbSNP rs190755726, ClinGen allele CA4498996.